The following is an entry in ClinVar:

ClinVar aggregate classification (germline): Uncertain significance. Review status: criteria provided, multiple submitters, no conflicts (2 of 4 stars). 2 submissions from 2 submitters: Uncertain significance (2). Last evaluated 2025-06-02.

Conditions:
Inborn genetic diseases. Identifiers: MedGen C0950123, MeSH D030342.
Palatal anomalies-widely spaced teeth-facial dysmorphism-developmental delay syndrome. Also called: Cleft palate, psychomotor retardation, and distinctive facial features. Identifiers: Orphanet 477993, MedGen C4225229, MONDO:0014751, OMIM 616728.

Submissions (2):

Ambry Genetics
Classification: Uncertain significance for Inborn genetic diseases. Last evaluated: 2025-06-02. Review status: criteria provided, single submitter. Criteria: Ambry Variant Classification Scheme 2023. Collection method: clinical testing. Allele origin: germline.
Comment: The p.I304T variant (also known as c.911T>C), located in coding exon 7 of the KDM1A gene, results from a T to C substitution at nucleotide position 911. The isoleucine at codon 304 is replaced by threonine, an amino acid with similar properties. This amino acid position is conserved. In addition, this alteration is predicted to be deleterious by in silico analysis. Based on the available evidence, the clinical significance of this variant remains unclear.

Victorian Clinical Genetics Services, Murdoch Childrens Research Institute
Classification: Uncertain significance for Palatal anomalies-widely spaced teeth-facial dysmorphism-developmental delay syndrome. Last evaluated: 2024-10-08. Review status: criteria provided, single submitter. Criteria: ACMG Guidelines, 2015. Collection method: clinical testing. Allele origin: germline. Inheritance: Autosomal dominant inheritance. Affected: yes.
Comment: Based on the classification scheme VCGS_Germline_v1.3.4, this variant is classified as VUS-3A. Following criteria are met: 0105 - The mechanism of disease for this gene is not clearly established. While functional studies on missense variants suggest a loss of function mechanism, dominant negative has not been excluded (PMID: 27094131). (I) 0107 - This gene is associated with autosomal dominant disease. (I) 0200 - Variant is predicted to result in a missense amino acid change from isoleucine to threonine. (I) 0251 - This variant is heterozygous. (I) 0301 - Variant is absent from gnomAD (both v2 and v3). (SP) 0502 - Missense variant with conflicting in silico predictions and uninformative conservation. (I) 0603 - Missense variant in a region that is highly intolerant to missense variation (high constraint region in DECIPHER). (SP) 0705 - No comparable missense variants have previous evidence for pathogenicity. (I) 0807 - This variant has no previous evidence of pathogenicity. (I) 0905 - No published segregation evidence has been identified for this variant. (I) 1007 - No published functional evidence has been identified for this variant. (I) 1208 - Inheritance information for this variant is not currently available in this individual. (I) Legend: (SP) - Supporting pathogenic, (I) - Information, (SB) - Supporting benign

Literature cited by the submitters: PubMed 27094131 (cited by Victorian Clinical Genetics Services, Murdoch Childrens Research Institute).

NM_001009999.3(KDM1A):c.911T>C (p.Ile304Thr)

Gene: KDM1A (lysine demethylase 1A; plus strand). Cytogenetic location: 1p36.12.
Variant type: single nucleotide variant.
Coding change: c.911T>C on transcript NM_001009999.3 (MANE Select); coding-DNA position 911, T replaced by C.
Protein change: p.Ile304Thr; replaces isoleucine 304 with threonine.
Molecular consequence: missense variant.
Genome position (GRCh38, 1-based): chr1:23,055,959, T>C. VCF-style: chr1-23055959-T-C. GRCh37 (hg19) VCF-style: chr1-23382452-T-C.
Other names: c.851T>C, p.Ile284Thr (NM_001363654.2, NM_001410763.1, NM_015013.4); c.911T>C, p.Ile304Thr (NM_001410762.1); short protein forms I284T, I304T.
Identifiers: ClinVar variation 3376975 (VCV003376975.2).